The following is an entry in ClinVar:

ClinVar aggregate classification (germline): Uncertain significance (1 of 4 stars; one submission).

Conditions:
Werner syndrome (WRN). Identifiers: Orphanet 902, MedGen C0043119, MONDO:0010196, OMIM 277700.

Submission:

Labcorp Genetics (formerly Invitae), Labcorp
Classification: Uncertain significance for Werner syndrome. Last evaluated: 2021-03-01. Review status: criteria provided, single submitter. Criteria: Invitae Variant Classification Sherloc (09022015). Collection method: clinical testing. Allele origin: germline.
Comment: This sequence change replaces aspartic acid with tyrosine at codon 143 of the WRN protein (p.Asp143Tyr). The aspartic acid residue is highly conserved and there is a large physicochemical difference between aspartic acid and tyrosine. This variant is not present in population databases (ExAC no frequency). This variant has not been reported in the literature in individuals with WRN-related conditions. Algorithms developed to predict the effect of missense changes on protein structure and function are either unavailable or do not agree on the potential impact of this missense change (SIFT: "Not Available"; PolyPhen-2: "Probably Damaging"; Align-GVGD: "Not Available"). In summary, the available evidence is currently insufficient to determine the role of this variant in disease. Therefore, it has been classified as a Variant of Uncertain Significance.

NM_000553.6(WRN):c.427G>T (p.Asp143Tyr)

Gene: WRN (WRN RecQ like helicase; plus strand). Cytogenetic location: 8p12.
Variant type: single nucleotide variant.
Coding change: c.427G>T on transcript NM_000553.6 (MANE Select); coding-DNA position 427, G replaced by T.
Protein change: p.Asp143Tyr; replaces aspartic acid 143 with tyrosine.
Molecular consequence: missense variant.
Genome position (GRCh38, 1-based): chr8:31,064,986, G>T. VCF-style: chr8-31064986-G-T. GRCh37 (hg19) VCF-style: chr8-30922502-G-T.
Other names: short protein forms D143Y.
Identifiers: ClinVar variation 1484795 (VCV001484795.6), dbSNP rs1060500063, ClinGen allele CA370914802.